The following is an entry in ClinVar:

ClinVar aggregate classification (germline): Uncertain significance (1 of 4 stars; one submission).

Conditions:
Hereditary cancer-predisposing syndrome. Also called: Neoplastic Syndromes, Hereditary; Tumor predisposition; Hereditary Cancer Syndrome; Hereditary neoplastic syndrome. Identifiers: Orphanet 140162, MedGen C0027672, MeSH D009386, MONDO:0015356.

Submission:

Ambry Genetics
Classification: Uncertain significance for Hereditary cancer-predisposing syndrome. Last evaluated: 2026-06-02. Review status: criteria provided, single submitter. Criteria: Ambry Variant Classification Scheme 2023. Collection method: clinical testing. Allele origin: germline.
Comment: The p.I405T variant (also known as c.1214T>C), located in coding exon 14 of the CDC73 gene, results from a T to C substitution at nucleotide position 1214. The isoleucine at codon 405 is replaced by threonine, an amino acid with similar properties. This amino acid position is well conserved in available vertebrate species. In addition, the in silico prediction for this alteration is inconclusive. Based on the available evidence, the clinical significance of this variant remains unclear.

NM_024529.5(CDC73):c.1214T>C (p.Ile405Thr)

Gene: CDC73 (cell division cycle 73; plus strand). Cytogenetic location: 1q31.2.
Variant type: single nucleotide variant.
Coding change: c.1214T>C on transcript NM_024529.5 (MANE Select); coding-DNA position 1214, T replaced by C.
Protein change: p.Ile405Thr; replaces isoleucine 405 with threonine.
Molecular consequence: missense variant.
Genome position (GRCh38, 1-based): chr1:193,233,052, T>C. VCF-style: chr1-193233052-T-C. GRCh37 (hg19) VCF-style: chr1-193202182-T-C.
Other names: short protein forms I405T.
Identifiers: ClinVar variation 4868368 (VCV004868368.1).